The following is an entry in ClinVar:

ClinVar aggregate classification (germline): Uncertain significance (1 of 4 stars; one submission).

Conditions:
Developmental and epileptic encephalopathy, 12 (DEE12). Identifiers: MedGen C3150988, MONDO:0013389, OMIM 613722.

Submission:

Labcorp Genetics (formerly Invitae), Labcorp
Classification: Uncertain significance for Developmental and epileptic encephalopathy, 12. Last evaluated: 2019-12-15. Review status: criteria provided, single submitter. Criteria: Invitae Variant Classification Sherloc (09022015). Collection method: clinical testing. Allele origin: germline.
Comment: This variant is an in-frame deletion of the genomic region encompassing exon(s) 3 of the PLCB1 gene. It preserves the integrity of the reading frame. This variant has not been reported in the literature in individuals with PLCB1-related conditions. Experimental studies and prediction algorithms are not available or were not evaluated, and the functional significance of this variant is currently unknown. In summary, the available evidence is currently insufficient to determine the role of this variant in disease. Therefore, it has been classified as a Variant of Uncertain Significance.

NC_000020.11:g.(?_8371362)_(8371470_?)del

Gene: PLCB1 (phospholipase C beta 1; plus strand). Cytogenetic location: 20p12.3.
Variant type: Deletion.
Identifiers: ClinVar variation 832465 (VCV000832465.7).